The following is an entry in ClinVar:

ClinVar aggregate classification (germline): Pathogenic. Review status: reviewed by expert panel (3 of 4 stars). 22 submissions from 22 submitters: Pathogenic (1). 21 of the submissions do not count toward it. Last evaluated 2022-03-18.

Conditions:
Inherited breast cancer and ovarian cancer.
ATM-related cancer predisposition. Also called: ATM-related cancer susceptibility. Identifiers: MedGen CN377759, MONDO:0700270.
ATM-related disorder. Also called: ATM-related disorders; ATM-related condition.
Hereditary cancer-predisposing syndrome. Also called: Neoplastic Syndromes, Hereditary; Tumor predisposition; Hereditary Cancer Syndrome; Hereditary neoplastic syndrome. Identifiers: Orphanet 140162, MedGen C0027672, MeSH D009386, MONDO:0015356.
Ataxia-telangiectasia syndrome (AT). Also called: Ataxia-telangiectasia, complementation group E; LOUIS-BAR SYNDROME; AT, COMPLEMENTATION GROUP C; Cerebello-oculocutaneous telangiectasia; Immunodeficiency with ataxia telangiectasia; ATAXIA-TELANGIECTASIA, COMPLEMENTATION GROUP A. Identifiers: Orphanet 100, MedGen C0004135, MONDO:0008840, OMIM 208900.
Familial cancer of breast. Also called: Hereditary breast cancer; BREAST CANCER, FAMILIAL; hereditary breast carcinoma. Identifiers: Orphanet 227535, MedGen C0346153, MONDO:0016419, OMIM 114480. Disease mechanism: loss of function.
Malignant tumor of urinary bladder. Also called: Urinary Bladder Neoplasms; Bladder cancer; Urinary bladder cancer. Identifiers: MedGen C0005684, MONDO:0001187, OMIM 109800.
Ataxia-telangiectasia without immunodeficiency. Identifiers: MedGen C4017102.

Allele frequency attached by ClinVar (database versions not stated): TOPMed below 0.00001; gnomAD 0.00001; gnomAD exomes 0.00002.
gnomAD v4.1: 26 of 1,613,988 alleles (0.0016%); highest among the groups gnomAD compares: South Asian, 0.0088%; no homozygotes.

Submissions 1 to 9 of 22:

ClinGen Hereditary Breast, Ovarian and Pancreatic Cancer Variant Curation Expert Panel, ClinGen
Classification: Pathogenic for ATM-related cancer predisposition. Last evaluated: 2022-03-18. Review status: reviewed by expert panel. Criteria: clingen hbop acmg specifications atm v1-1. Collection method: curation. Allele origin: germline. Inheritance: Autosomal dominant inheritance.
Comment: The ATM c.9139C>T (p.Arg3047Ter) variant has a GnomAD (v2.1.1) allele frequency of 0.001768% which is above the PM2 threshold of 0.001% but below the BS1 threshold of 0.05%. This variant is expected to produce an NMD-escaping transcript that adversely affects the critical FATKIN domain (PVS1). This variant has been observed in a compound heterozygous state (confirmed) in multiple individuals with ataxia-telangiectasia (PMIDs: 10980530, 26628246, 19691550, 22649200, PM3_verystrong). This variant is non-functional in a single ATM-specific protein assay (PMID: 19431188, PS3_supporting). In summary, this variant meets criteria to be classified as pathogenic based on the ACMG/AMP criteria applied as specified by the HBOP Variant Curation Expert Panel.

PreventionGenetics, part of Exact Sciences
Classification: Pathogenic for ATM-related condition. Last evaluated: 2026-05-27. Review status: criteria provided, single submitter. Criteria: ACMG Guidelines, 2015. Collection method: clinical testing. Allele origin: germline. Not counted in ClinVar's aggregate classification.
Comment: The ATM c.9139C>T variant is predicted to result in premature protein termination (p.Arg3047*). This variant resides in the terminal exon and removes the last 10 amino acids of the protein. It has been reported in the homozygous and compound heterozygous state in individuals with Ataxia-telangiectasia (AT) (Chessa et al. 2009. PubMed ID: 19691550; Liu et al. 2016. PubMed ID: 26628246; Table S1, Schon et al. 2019. PubMed ID: 30549301). It has also been reported in individuals with breast cancer (Supplemental Tables, Maxwell et al. 2016. PubMed ID: 27153395; Table S3, Sun et al. 2017. PubMed ID: 28724667; Dominguez-Valentin et al. 2018. PubMed ID: 29371908), an individual with pancreatic and colon cancer (Dudley et al. 2018. PubMed ID: 29360161), and an individual with non-small cell lung cancer (Liu et al. 2020. PubMed ID: 32676327). Experimental studies showed this variant impairs ATM function (Barone et al. 2009. PubMed ID: 19431188; Delia et al. 2000. PubMed ID: 10864201). A knock-in mouse model demonstrates that although minimal DNA damage induced checkpoint activity is retained, this variant results in reduced protein stability, T and B cell defects, and delayed tumorogenesis (Milanovic et al. 2021. PubMed ID: 33536256). This variant is reported in 0.0098% of alleles in individuals of South Asian descent in gnomAD and is interpreted as pathogenic by the ClinGen Hereditary Breast, Ovarian and Pancreatic Cancer Variant Curation Expert Panel in ClinVar (Variation ID: 3029). Nonsense variants in ATM are expected to be pathogenic. This variant is interpreted as pathogenic.

Natera, Inc.
Classification: Pathogenic for Ataxia-telangiectasia. Last evaluated: 2025-12-12. Review status: criteria provided, single submitter. Criteria: Natera Variant Classification Schema (03/2026). Collection method: clinical testing. Allele origin: germline. Not counted in ClinVar's aggregate classification.
Comment: The c.9139C>T variant in ATM is a nonsense variant predicted to introduce a stop codon at amino acid 3047. This variant may result in a truncated or dysfunctional protein product. This variant is rare in the general population with a frequency below the threshold expected for the associated phenotype(s). This variant has been observed in one or more individuals affected with the associated recessive disease, as either homozygous or compound heterozygous with a second variant (PMID: 26628246, 30549301, 22649200, 19691550). Additionally, this variant has been observed to segregate in affected family members (PMID: 26628246). Given the available evidence, this variant is classified as Pathogenic.

Labcorp Genetics (formerly Invitae), Labcorp
Classification: Pathogenic for Ataxia-telangiectasia syndrome. Last evaluated: 2025-11-11. Review status: criteria provided, single submitter. Criteria: Invitae Variant Classification Sherloc (09022015). Collection method: clinical testing. Allele origin: germline. Not counted in ClinVar's aggregate classification.
Comment: This sequence change creates a premature translational stop signal (p.Arg3047*) in the ATM gene. While this is not anticipated to result in nonsense mediated decay, it is expected to disrupt the last 10 amino acid(s) of the ATM protein. This variant is present in population databases (rs121434219, gnomAD 0.01%). This premature translational stop signal has been observed in individual(s) with ataxia-telangiectasia (PMID: 8755918, 10980530, 18560558, 19691550, 26628246). In at least one individual the data is consistent with being in trans (on the opposite chromosome) from a pathogenic variant. It has also been observed to segregate with disease in related individuals. ClinVar contains an entry for this variant (Variation ID: 3029). Algorithms developed to predict the effect of variants on gene product structure and function are not available or were not evaluated for this variant. Experimental studies have shown that this premature translational stop signal affects ATM function (PMID: 19431188). For these reasons, this variant has been classified as Pathogenic.

Genetics Laboratory, Great Ormond Street Hospital NHS Foundation Trust, North Thames Genomic Laboratory Hub
Classification: Pathogenic for Inherited breast cancer and ovarian cancer. Last evaluated: 2025-07-30. Review status: criteria provided, single submitter. Criteria: CanVIG ATM Gene Specific V1.2. Collection method: clinical testing. Allele origin: germline. Affected: yes. Not counted in ClinVar's aggregate classification.
Comment: PVS1_very-strong, PS3_supporting, PM3_very-strong

Molecular Pathology, Peter Maccallum Cancer Centre
Classification: Pathogenic for Ataxia-telangiectasia syndrome. Last evaluated: 2025-05-22. Review status: criteria provided, single submitter. Criteria: ACMG Guidelines, 2015. Collection method: clinical testing. Allele origin: germline. Inheritance: Autosomal recessive inheritance. Not counted in ClinVar's aggregate classification.

GeneKor MSA
Classification: Pathogenic for Hereditary cancer-predisposing syndrome. Last evaluated: 2025-05-15. Review status: criteria provided, single submitter. Criteria: ACMG Guidelines, 2015. Collection method: clinical testing. Allele origin: germline. Affected: yes. Not counted in ClinVar's aggregate classification.
Comment: This variant is a single nucleotide substitution in exon 63 of the ATM mRNA c.( 9139C>T). This sequence change creates a premature translational stop signal p.(Arg3047)* and disrupts the last 10 amino acids of the ATM protein. This variant is present in population databases (rs121434219). This premature translational stop signal has been observed in individuals with Ataxia-telangiectasia (PMID:8755918, 10980530, 18560558, 19691550, 26628246). ClinVar contains an entry for this variant (VCV000003029.34). Experimental studies show that this variation alters the function of the ATM protein (PMID:19431188). Based on the classification criteria set by the ACMG and AMP (PMID:25741868) this variant has been classified as pathogenic.

CeGaT Center for Human Genetics Tuebingen
Classification: Pathogenic. Last evaluated: 2025-05-01. Review status: criteria provided, single submitter. Criteria: CeGaT Center For Human Genetics Tuebingen Variant Classification Criteria Version 2. Collection method: clinical testing. Allele origin: germline. Affected: yes. Observed: 1 variant allele. Not counted in ClinVar's aggregate classification.
Comment: ATM: PM3:Very Strong, PM2, PVS1:Moderate

Cambridge Genomics Laboratory, East Genomic Laboratory Hub, NHS Genomic Medicine Service
Classification: Pathogenic for Inherited breast cancer and ovarian cancer. Last evaluated: 2025-02-27. Review status: criteria provided, single submitter. Criteria: ACGS Best Practice Guidelines for Variant Classification in Rare Disease 2020. Collection method: clinical testing. Allele origin: germline. Affected: yes. Not counted in ClinVar's aggregate classification.
Comment: PVS1,PM3_Very Strong,BP2_Moderate

NM_000051.4(ATM):c.9139C>T (p.Arg3047Ter)

Genes: ATM (ATM serine/threonine kinase; plus strand), C11orf65 (chromosome 11 open reading frame 65; minus strand). Cytogenetic location: 11q22.3.
Variant type: single nucleotide variant.
Coding change: c.9139C>T on transcript NM_000051.4 (MANE Select); coding-DNA position 9139, C replaced by T.
Protein change: p.Arg3047Ter; replaces arginine 3047 with a stop codon.
Molecular consequence: nonsense. On other transcripts: intron variant (2).
Genome position (GRCh38, 1-based): chr11:108,365,476, C>T. VCF-style: chr11-108365476-C-T. GRCh37 (hg19) VCF-style: chr11-108236203-C-T.
Other names: NM_000051.3(ATM):c.9139C>T; p.Arg3047Ter; c.9139C>T, p.Arg3047Ter (NM_001351834.2); c.640+20444G>A (NM_001330368.2); c.694+20444G>A (NM_001351110.2); short protein forms R3047*.
Identifiers: ClinVar variation 3029 (VCV000003029.45), dbSNP rs121434219, ClinGen allele CA115937.